The following is an entry in ClinVar:

NM_006269.2(RP1):c.1267_1656delinsA (p.Ala423fs)

Gene: RP1 (RP1 axonemal microtubule associated; plus strand). Cytogenetic location: 8q12.1.
Variant type: Indel.
Coding change: c.1267_1656delinsA on transcript NM_006269.2 (MANE Select); coding-DNA positions 1267 to 1656, the reference bases replaced by A.
Protein change: p.Ala423fs; shifts the reading frame from alanine 423.
Molecular consequence: frameshift variant.
Genome position (GRCh38, 1-based): chr8:54,625,149-54,625,538, 390 bases replaced. GRCh37 (hg19): chr8:55,537,709-55,538,098.
Other names: short protein forms A423fs.
Identifiers: ClinVar variation 547180 (VCV000547180.5), dbSNP rs1554519422, ClinGen allele CA658821501.

ClinVar aggregate classification (germline): Conflicting classifications of pathogenicity. Review status: criteria provided, conflicting classifications (1 of 4 stars). 2 submissions from 2 submitters: Pathogenic (1); Uncertain significance (1). Last evaluated 2022-11-21.

Conditions:
Leber congenital amaurosis 1 (LCA1). Also called: Congenital absence of the rods and cones; Leber's congenital tapetoretinal degeneration; Leber's congenital tapetoretinal dysplasia; RETINAL BLINDNESS, CONGENITAL; AMAUROSIS CONGENITA OF LEBER I. Identifiers: Orphanet 65, MedGen C2931258, MONDO:0008764, OMIM 204000.

Submissions (2):

Labcorp Genetics (formerly Invitae), Labcorp
Classification: Pathogenic. Last evaluated: 2022-11-21. Review status: criteria provided, single submitter. Criteria: Invitae Variant Classification Sherloc (09022015). Collection method: clinical testing. Allele origin: germline.
Comment: For these reasons, this variant has been classified as Pathogenic. This variant disrupts the C-terminus of the RP1 protein. Many variants that disrupt this region have been reported in individuals with either autosomal dominant or autosomal recessive retinitis pigmentosa (PMID: 11527933, 19933189, 29425069, 30027431, 33681214). Therefore, variants that disrupt this region are expected to be disease-causing. ClinVar contains an entry for this variant (Variation ID: 547180). This variant has not been reported in the literature in individuals affected with RP1-related conditions. This variant is not present in population databases (gnomAD no frequency). This sequence change creates a premature translational stop signal (p.Ala423Asnfs*11) in the RP1 gene. While this is not anticipated to result in nonsense mediated decay, it is expected to disrupt the last 1734 amino acid(s) of the RP1 protein.

Australian Inherited Retinal Disease Registry & DNA Bank, Sir Charles Gairdner Hospital
Classification: Uncertain significance for Leber congenital amaurosis 1. Last evaluated: 2017-11-30. Review status: criteria provided, single submitter. Criteria: ACMG Guidelines, 2015. Collection method: research. Allele origin: maternal, unknown. Inheritance: Autosomal dominant inheritance. Affected: yes and no. Observed: 2 heterozygotes. Segregation with disease not observed.

Literature cited by the submitters: PubMed 11527933 (cited by Labcorp Genetics (formerly Invitae), Labcorp); PubMed 19933189 (cited by Labcorp Genetics (formerly Invitae), Labcorp); PubMed 29425069 (cited by Labcorp Genetics (formerly Invitae), Labcorp); PubMed 30027431 (cited by Labcorp Genetics (formerly Invitae), Labcorp); PubMed 33681214 (cited by Labcorp Genetics (formerly Invitae), Labcorp); PubMed 29178942 (cited by Australian Inherited Retinal Disease Registry & DNA Bank, Sir Charles Gairdner Hospital).